The following is an entry in ClinVar:

ClinVar aggregate classification (germline): Uncertain significance (1 of 4 stars; one submission).

Conditions:
Myoclonic epilepsy, juvenile, susceptibility to, 1. Also called: Myoclonic Epilepsy, Juvenile, 1; EJM1. Identifiers: MedGen C1850778, MONDO:0020752, OMIM 254770.
Absence seizure. Also called: Absence epilepsy. Identifiers: Orphanet 1941, MedGen C0014553.

Allele frequency attached by ClinVar (database versions not stated): ExAC 0.00002; gnomAD exomes 0.00002; TOPMed 0.00002; gnomAD 0.00004; ESP Exome Variant Server 0.00008.

Submission:

Labcorp Genetics (formerly Invitae), Labcorp
Classification: Uncertain significance for Myoclonic epilepsy, juvenile, susceptibility to, 1; Absence seizure. Last evaluated: 2020-05-21. Review status: criteria provided, single submitter. Criteria: Invitae Variant Classification Sherloc (09022015). Collection method: clinical testing. Allele origin: germline.
Comment: In summary, the available evidence is currently insufficient to determine the role of this variant in disease. Therefore, it has been classified as a Variant of Uncertain Significance. The current clinical and genetic evidence is not sufficient to establish whether loss-of-function variants in EFHC1 cause disease. This variant has not been reported in the literature in individuals with EFHC1-related disease. This variant is present in population databases (rs377165334, ExAC 0.006%). This sequence change creates a premature translational stop signal (p.Arg216*) in the EFHC1 gene. It is expected to result in an absent or disrupted protein product.

NM_018100.4(EFHC1):c.646C>T (p.Arg216Ter)

Gene: EFHC1 (EF-hand domain containing 1; plus strand). Cytogenetic location: 6p12.2.
Variant type: single nucleotide variant.
Coding change: c.646C>T on transcript NM_018100.4 (MANE Select); coding-DNA position 646, C replaced by T.
Protein change: p.Arg216Ter; replaces arginine 216 with a stop codon.
Molecular consequence: nonsense. On other transcripts: non-coding transcript variant (1).
Genome position (GRCh38, 1-based): chr6:52,452,760, C>T. VCF-style: chr6-52452760-C-T. GRCh37 (hg19) VCF-style: chr6-52317558-C-T.
Other names: c.589C>T, p.Arg197Ter (NM_001172420.2); short protein forms R197*, R216*.
Identifiers: ClinVar variation 660478 (VCV000660478.8), dbSNP rs377165334, ClinGen allele CA3855793.